The following is an entry in ClinVar:

ClinVar aggregate classification (germline): Uncertain significance (1 of 4 stars; one submission).

Conditions:
Inborn genetic diseases. Identifiers: MedGen C0950123, MeSH D030342.

Submission:

Ambry Genetics
Classification: Uncertain significance for Inborn genetic diseases. Last evaluated: 2026-09-14. Review status: criteria provided, single submitter. Criteria: Ambry Variant Classification Scheme 2023. Collection method: clinical testing. Allele origin: germline.
Comment: The p.C594R variant (also known as c.1780T>C), located in coding exon 13 of the ASXL1 gene, results from a T to C substitution at nucleotide position 1780. The cysteine at codon 594 is replaced by arginine, an amino acid with highly dissimilar properties. This amino acid position is conserved. In addition, the in silico prediction for this alteration is inconclusive. Based on the available evidence, the clinical significance of this variant remains unclear.

NM_015338.6(ASXL1):c.1780T>C (p.Cys594Arg)

Gene: ASXL1 (ASXL transcriptional regulator 1; plus strand). Cytogenetic location: 20q11.21.
Variant type: single nucleotide variant.
Coding change: c.1780T>C on transcript NM_015338.6 (MANE Select); coding-DNA position 1780, T replaced by C.
Protein change: p.Cys594Arg; replaces cysteine 594 with arginine.
Molecular consequence: missense variant.
Genome position (GRCh38, 1-based): chr20:32,434,492, T>C. VCF-style: chr20-32434492-T-C. GRCh37 (hg19) VCF-style: chr20-31022295-T-C.
Other names: c.1597T>C, p.Cys533Arg (NM_001363734.1); short protein forms C533R, C594R.
Identifiers: ClinVar variation 5030597 (VCV005030597.1).